The following is an entry in ClinVar:

Conditions:
Long QT syndrome 5 (LQT5). Identifiers: Orphanet 101016, Orphanet 768, MedGen C1867904, MONDO:0013372, OMIM 613695.

Submission:

Roden Lab, Vanderbilt University Medical Center
No classification provided (evidence only). Condition: Long QT syndrome 5. Review status: no classification provided. Collection method: in vitro. Allele origin: not applicable. Functional consequence: Effect on ion channel function.
ClinVar note: "not provided" was previously submitted as the classification for the variant. However, the classification appeared to be based only on an observation of functional data so it was converted to no classification on 2025-07-30.

NM_000219.6(KCNE1):c.370G>A (p.Glu124Lys)

Gene: KCNE1 (potassium voltage-gated channel subfamily E regulatory subunit 1; minus strand). Cytogenetic location: 21q22.12.
Variant type: single nucleotide variant.
Coding change: c.370G>A on transcript NM_000219.6 (MANE Select); coding-DNA position 370, G replaced by A.
Protein change: p.Glu124Lys; replaces glutamic acid 124 with lysine.
Molecular consequence: missense variant.
Genome position (GRCh38, 1-based): chr21:34,449,265, C>T on the plus strand (G>A on the coding strand, the complement: KCNE1 is on the minus strand). VCF-style: chr21-34449265-C-T. GRCh37 (hg19) VCF-style: chr21-35821563-C-T.
Other names: c.370G>A, p.Glu124Lys (NM_001127668.4, NM_001127669.4, NM_001127670.4 and 4 more transcripts); short protein forms E124K.
Identifiers: ClinVar variation 3373841 (VCV003373841.2).
Genomic context (GRCh38, chr21:34,449,265, plus strand): 5'-TGCCAGGCAGGATGTGTCCAGTTTTAGCCAGTGGTGGGGTTCATGGGGAAGGCTTCGTCT[C>T]AGGAAGGTGTGTGTTGGGTTGTTCTATGGCCAGATGGTTTTCAACGACATAGCACGACCT-3'
Protein context (NP_000210.2, residues 114-129): AIEQPNTHLP[Glu124Lys]TKPSP